The following is an entry in ClinVar:

NM_003722.5(TP63):c.1574T>A (p.Leu525His)

Gene: TP63 (tumor protein p63; plus strand). Cytogenetic location: 3q28.
Variant type: single nucleotide variant.
Coding change: c.1574T>A on transcript NM_003722.5 (MANE Select); coding-DNA position 1574, T replaced by A.
Protein change: p.Leu525His; replaces leucine 525 with histidine.
Molecular consequence: missense variant. On other transcripts: intron variant (4).
Genome position (GRCh38, 1-based): chr3:189,889,406, T>A. VCF-style: chr3-189889406-T-A. GRCh37 (hg19) VCF-style: chr3-189607195-T-A.
Other names: c.1568T>A, p.Leu523His (NM_001329964.2); c.1507+2855T>A (NM_001329144.2); c.1225+2855T>A (NM_001329145.2); c.1213+2855T>A (NM_001329149.2); c.958+2855T>A (NM_001329150.2); c.1574T>A, p.Leu525His (NM_001114978.2); c.1292T>A, p.Leu431His (NM_001114980.2, NM_001114981.2); c.1037T>A, p.Leu346His (NM_001329146.2); and 1 more; short protein forms L523H, L431H, L346H, L521H, L525H.
Identifiers: ClinVar variation 2856976 (VCV002856976.2), dbSNP rs2474707582, ClinGen allele CA355758361.

ClinVar aggregate classification (germline): Uncertain significance (1 of 4 stars; one submission).

Conditions:
TP63-Related Spectrum Disorders.

Allele frequency attached by ClinVar (database versions not stated): gnomAD exomes below 0.00001.
gnomAD v4.1: 1 of 1,613,544 alleles (0.000062%); highest among the groups gnomAD compares: East Asian, 0.0022%; no homozygotes.

Submission:

Labcorp Genetics (formerly Invitae), Labcorp
Classification: Uncertain significance. Last evaluated: 2023-04-17. Review status: criteria provided, single submitter. Criteria: Invitae Variant Classification Sherloc (09022015). Collection method: clinical testing. Allele origin: germline.
Comment: In summary, the available evidence is currently insufficient to determine the role of this variant in disease. Therefore, it has been classified as a Variant of Uncertain Significance. Advanced modeling of protein sequence and biophysical properties (such as structural, functional, and spatial information, amino acid conservation, physicochemical variation, residue mobility, and thermodynamic stability) has been performed at Invitae for this missense variant, however the output from this modeling did not meet the statistical confidence thresholds required to predict the impact of this variant on TP63 protein function. This variant has not been reported in the literature in individuals affected with TP63-related conditions. This variant is not present in population databases (gnomAD no frequency). This sequence change replaces leucine, which is neutral and non-polar, with histidine, which is basic and polar, at codon 525 of the TP63 protein (p.Leu525His).